The following is an entry in ClinVar:

NM_019842.4(KCNQ5):c.1315C>G (p.Gln439Glu)

Gene: KCNQ5 (potassium voltage-gated channel subfamily Q member 5; plus strand). Cytogenetic location: 6q13.
Variant type: single nucleotide variant.
Coding change: c.1315C>G on transcript NM_019842.4 (MANE Select); coding-DNA position 1315, C replaced by G.
Protein change: p.Gln439Glu; replaces glutamine 439 with glutamic acid.
Molecular consequence: missense variant. On other transcripts: intron variant (1).
Genome position (GRCh38, 1-based): chr6:73,133,488, C>G. VCF-style: chr6-73133488-C-G. GRCh37 (hg19) VCF-style: chr6-73843211-C-G.
Other names: c.1288C>G, p.Gln430Glu (NM_001160130.2); c.1345C>G, p.Gln449Glu (NM_001160132.2); c.1372C>G, p.Gln458Glu (NM_001160133.2); c.1247+8976C>G (NM_001160134.2); short protein forms Q439E, Q430E, Q449E, Q458E.
Identifiers: ClinVar variation 2843101 (VCV002843101.3), dbSNP rs2533762675, ClinGen allele CA364828183.

ClinVar aggregate classification (germline): Uncertain significance (1 of 4 stars; one submission).

Submission:

Labcorp Genetics (formerly Invitae), Labcorp
Classification: Uncertain significance. Last evaluated: 2023-05-28. Review status: criteria provided, single submitter. Criteria: Invitae Variant Classification Sherloc (09022015). Collection method: clinical testing. Allele origin: germline.
Comment: In summary, the available evidence is currently insufficient to determine the role of this variant in disease. Therefore, it has been classified as a Variant of Uncertain Significance. This sequence change replaces glutamine, which is neutral and polar, with glutamic acid, which is acidic and polar, at codon 458 of the KCNQ5 protein (p.Gln458Glu). This variant is not present in population databases (gnomAD no frequency). This variant has not been reported in the literature in individuals affected with KCNQ5-related conditions. Advanced modeling of protein sequence and biophysical properties (such as structural, functional, and spatial information, amino acid conservation, physicochemical variation, residue mobility, and thermodynamic stability) performed at Invitae indicates that this missense variant is not expected to disrupt KCNQ5 protein function.